The following is an entry in ClinVar:

NM_001846.4(COL4A2):c.111G>C (p.Lys37Asn)

Gene: COL4A2 (collagen type IV alpha 2 chain; plus strand). Cytogenetic location: 13q34.
Variant type: single nucleotide variant.
Coding change: c.111G>C on transcript NM_001846.4 (MANE Select); coding-DNA position 111, G replaced by C.
Protein change: p.Lys37Asn; replaces lysine 37 with asparagine.
Molecular consequence: missense variant.
Genome position (GRCh38, 1-based): chr13:110,357,483, G>C. VCF-style: chr13-110357483-G-C. GRCh37 (hg19) VCF-style: chr13-111009830-G-C.
Other names: short protein forms K37N.
Identifiers: ClinVar variation 1921121 (VCV001921121.5), dbSNP rs779982597, ClinGen allele CA388730277.

ClinVar aggregate classification (germline): Uncertain significance (1 of 4 stars; one submission).

gnomAD v4.1: 2 of 1,591,566 alleles (0.00013%); highest among the groups gnomAD compares: Admixed American, 0.0034%; no homozygotes.

Submission:

Labcorp Genetics (formerly Invitae), Labcorp
Classification: Uncertain significance. Last evaluated: 2025-10-05. Review status: criteria provided, single submitter. Criteria: Invitae Variant Classification Sherloc (09022015). Collection method: clinical testing. Allele origin: germline.
Comment: This sequence change replaces lysine, which is basic and polar, with asparagine, which is neutral and polar, at codon 37 of the COL4A2 protein (p.Lys37Asn). This variant is not present in population databases (gnomAD no frequency). This variant has not been reported in the literature in individuals affected with COL4A2-related conditions. ClinVar contains an entry for this variant (Variation ID: 1921121). Invitae Evidence Modeling of protein sequence and biophysical properties (such as structural, functional, and spatial information, amino acid conservation, physicochemical variation, residue mobility, and thermodynamic stability) indicates that this missense variant is not expected to disrupt COL4A2 protein function with a negative predictive value of 95%. In summary, the available evidence is currently insufficient to determine the role of this variant in disease. Therefore, it has been classified as a Variant of Uncertain Significance.